The following is an entry in ClinVar:

NM_001164508.2(NEB):c.18314T>G (p.Val6105Gly)

Gene: NEB (nebulin; minus strand). Cytogenetic location: 2q23.3.
Variant type: single nucleotide variant.
Coding change: c.18314T>G on transcript NM_001164508.2 (MANE Select); coding-DNA position 18314, T replaced by G.
Protein change: p.Val6105Gly; replaces valine 6105 with glycine.
Molecular consequence: missense variant.
Genome position (GRCh38, 1-based): chr2:151,565,553, A>C on the plus strand (T>G on the coding strand, the complement: NEB is on the minus strand). VCF-style: chr2-151565553-A-C. GRCh37 (hg19) VCF-style: chr2-152422067-A-C.
Other names: c.18314T>G, p.Val6105Gly (NM_001164507.2, NM_001271208.2); c.13211T>G, p.Val4404Gly (NM_004543.5); short protein forms V4404G, V6105G.
Identifiers: ClinVar variation 4975568 (VCV004975568.1).
Genomic context (GRCh38, chr2:151,565,553, plus strand): 5'-AAACTTACATCACTTTGATTGACAGAATTAATCTTGGCTAAAACAATCTCTGGAGGATCC[A>C]CCACACTTCTAAAGTTAGGATAGTTTTCAAGGGCATTTTTCTTATATTTGATCTGTAAAG-3'
Protein context (NP_001157980.2, residues 6095-6115): LENYPNFRSV[Val6105Gly]DPPEIVLAKI

ClinVar aggregate classification (germline): Uncertain significance (1 of 4 stars; one submission).

gnomAD v4.1: 2 of 1,603,366 alleles (0.00012%); highest among the groups gnomAD compares: Non-Finnish European, 0.00017%; no homozygotes.

Submission:

GeneDx
Classification: Uncertain significance. Last evaluated: 2026-01-23. Review status: criteria provided, single submitter. Criteria: GeneDx Variant Classification Process June 2021. Collection method: clinical testing. Allele origin: germline.
Comment: Not observed at significant frequency in large population cohorts (gnomAD); In silico analysis supports that this missense variant has a deleterious effect on protein structure/function; Has not been previously published as pathogenic or benign to our knowledge